The following is an entry in ClinVar:

NM_004407.4(DMP1):c.312C>T (p.Asp104=)

Genes: DMP1 (dentin matrix acidic phosphoprotein 1; plus strand), DMP1-AS1 (DMP1 and DSPP antisense RNA 1; minus strand). Cytogenetic location: 4q22.1.
Variant type: single nucleotide variant.
Coding change: c.312C>T on transcript NM_004407.4 (MANE Select); coding-DNA position 312, C replaced by T.
Protein change: p.Asp104=; no amino-acid change (aspartic acid 104 retained).
Molecular consequence: synonymous variant.
Genome position (GRCh38, 1-based): chr4:87,662,090, C>T. VCF-style: chr4-87662090-C-T. GRCh37 (hg19) VCF-style: chr4-88583242-C-T.
Other names: c.264C>T, p.Asp88= (NM_001079911.3).
Identifiers: ClinVar variation 903753 (VCV000903753.41), dbSNP rs148543792, ClinGen allele CA3002007.
Genomic context (GRCh38, chr4:87,662,090, plus strand): 5'-TTATAGGCTAGCTGGTGGCTTCTCCAGGAGCACAGGAAAAGGAGGAGATGATAAAGATGA[C>T]GATGAAGATGACAGTGGAGATGACACCTTTGGTGACGATGACAGTGGCCCAGGGCCCAAA-3'
Protein context (NP_004398.1, residues 94-114): STGKGGDDKD[Asp104=]DEDDSGDDTF

ClinVar aggregate classification (germline): Conflicting classifications of pathogenicity. Review status: criteria provided, conflicting classifications (1 of 4 stars). 6 submissions from 6 submitters: Uncertain significance (1); Likely benign (5). Last evaluated 2026-01-31.

Conditions:
Hypophosphatemic rickets, autosomal recessive, 1 (ARHR1). Also called: HYPOPHOSPHATEMIA, AUTOSOMAL RECESSIVE. Identifiers: Orphanet 289176, MedGen C4551495, MONDO:0009430, OMIM 241520. Disease mechanism: loss of function.

Allele frequency attached by ClinVar (database versions not stated): 1000 Genomes Project 30x 0.00016; 1000 Genomes Project 0.00020; TOPMed 0.00053; ESP Exome Variant Server 0.00054; ExAC 0.00057; gnomAD exomes 0.00068 and 0.00077; gnomAD 0.00070.
gnomAD v4.1: 1,220 of 1,614,124 alleles (0.076%); highest among the groups gnomAD compares: Middle Eastern, 0.099%; 1 homozygote.

Submissions (6):

Labcorp Genetics (formerly Invitae), Labcorp
Classification: Likely benign. Last evaluated: 2026-01-31. Review status: criteria provided, single submitter. Criteria: Invitae Variant Classification Sherloc (09022015). Collection method: clinical testing. Allele origin: germline.

Women's Health and Genetics/Laboratory Corporation of America, LabCorp
Classification: Likely benign. Last evaluated: 2025-03-25. Review status: criteria provided, single submitter. Criteria: LabCorp Variant Classification Summary - May 2015. Collection method: clinical testing. Allele origin: germline.

Blueprint Genetics
Classification: Likely benign. Last evaluated: 2024-11-25. Review status: criteria provided, single submitter. Criteria: ACMG Guidelines, 2015. Collection method: clinical testing. Allele origin: germline.

CeGaT Center for Human Genetics Tuebingen
Classification: Likely benign. Last evaluated: 2022-07-01. Review status: criteria provided, single submitter. Criteria: CeGaT Center For Human Genetics Tuebingen Variant Classification Criteria Version 2. Collection method: clinical testing. Allele origin: germline. Affected: yes. Observed: 1 variant allele.
Comment: DMP1: BP4, BP7

GeneDx
Classification: Likely benign. Last evaluated: 2020-03-16. Review status: criteria provided, single submitter. Criteria: GeneDx Variant Classification Process June 2021. Collection method: clinical testing. Allele origin: germline. Affected: yes.

Illumina Laboratory Services, Illumina
Classification: Uncertain significance for Hypophosphatemic rickets, autosomal recessive, 1. Last evaluated: 2017-04-28. Review status: criteria provided, single submitter. Criteria: ICSL Variant Classification Criteria 13 December 2019. Collection method: clinical testing. Allele origin: germline.